The following is an entry in ClinVar:

NM_004168.4(SDHA):c.1404C>T (p.Ala468=)

Gene: SDHA (succinate dehydrogenase complex flavoprotein subunit A; plus strand). Cytogenetic location: 5p15.33.
Variant type: single nucleotide variant.
Coding change: c.1404C>T on transcript NM_004168.4 (MANE Select); coding-DNA position 1404, C replaced by T.
Protein change: p.Ala468=; no amino-acid change (alanine 468 retained).
Molecular consequence: synonymous variant.
Genome position (GRCh38, 1-based): chr5:236,571, C>T. VCF-style: chr5-236571-C-T. GRCh37 (hg19) VCF-style: chr5-236686-C-T.
Other names: c.1260C>T, p.Ala420= (NM_001294332.2); c.1404C>T, p.Ala468= (NM_001330758.2).
Identifiers: ClinVar variation 3904650 (VCV003904650.1).
Genomic context (GRCh38, chr5:236,571, plus strand): 5'-TGCCAACCGCCTCGGGGCAAACTCGCTCTTGGACCTGGTTGTCTTTGGTCGGGCATGTGC[C>T]CTGAGCATCGAAGAGTCATGCAGGCCTGGTAAGTGTTTTCTTCAGGAGCCAGACTATTTG-3'
Protein context (NP_004159.2, residues 458-478): LDLVVFGRAC[Ala468=]LSIEESCRPG

ClinVar aggregate classification (germline): Benign (1 of 4 stars; one submission).

Conditions:
Pheochromocytoma/paraganglioma syndrome 5. Also called: Paragangliomas 5; SDHA-Related Hereditary Paraganglioma-Pheochromocytoma Syndrome. Identifiers: Orphanet 29072, MedGen C3279992, MONDO:0013602, OMIM 614165.

Submission:

Myriad Genetics, Inc.
Classification: Benign for Pheochromocytoma/paraganglioma syndrome 5. Last evaluated: 2025-03-10. Review status: criteria provided, single submitter. Criteria: Myriad Autosomal Dominant, Autosomal Recessive and X-Linked Classification Criteria (2023). Collection method: clinical testing. Allele origin: unknown.
Comment: This variant is considered benign. This variant is a silent/synonymous amino acid change and it is not expected to impact splicing.